The following is an entry in ClinVar:

ClinVar aggregate classification (germline): Uncertain significance. Review status: criteria provided, multiple submitters, no conflicts (2 of 4 stars). 2 submissions from 2 submitters: Uncertain significance (2). Last evaluated 2025-07-23.

Conditions:
Distal hereditary motor neuropathy type 2. Identifiers: Orphanet 139525, MedGen C3711384, MeSH C580044, MONDO:0015352.

Allele frequency attached by ClinVar (database versions not stated): TOPMed 0.00003; gnomAD 0.00004; ESP Exome Variant Server 0.00008.
gnomAD v4.1: 67 of 1,614,106 alleles (0.0042%); highest among the groups gnomAD compares: African/African-American, 0.0067%; no homozygotes.

Submissions (2):

Labcorp Genetics (formerly Invitae), Labcorp
Classification: Uncertain significance for Distal hereditary motor neuropathy type 2. Last evaluated: 2025-07-23. Review status: criteria provided, single submitter. Criteria: Invitae Variant Classification Sherloc (09022015). Collection method: clinical testing. Allele origin: germline.
Comment: This sequence change replaces serine, which is neutral and polar, with asparagine, which is neutral and polar, at codon 724 of the FBXO38 protein (p.Ser724Asn). This variant is present in population databases (rs376265947, gnomAD 0.007%). This variant has not been reported in the literature in individuals affected with FBXO38-related conditions. ClinVar contains an entry for this variant (Variation ID: 1787109). Invitae Evidence Modeling of protein sequence and biophysical properties (such as structural, functional, and spatial information, amino acid conservation, physicochemical variation, residue mobility, and thermodynamic stability) indicates that this missense variant is not expected to disrupt FBXO38 protein function with a negative predictive value of 80%. In summary, the available evidence is currently insufficient to determine the role of this variant in disease. Therefore, it has been classified as a Variant of Uncertain Significance.

Ambry Genetics
Classification: Uncertain significance. Last evaluated: 2021-06-04. Review status: criteria provided, single submitter. Criteria: Ambry Variant Classification Scheme 2023. Collection method: clinical testing. Allele origin: germline.
Comment: The p.S724N variant (also known as c.2171G>A), located in coding exon 14 of the FBXO38 gene, results from a G to A substitution at nucleotide position 2171. The serine at codon 724 is replaced by asparagine, an amino acid with highly similar properties. This amino acid position is highly conserved in available vertebrate species. In addition, this alteration is predicted to be tolerated by in silico analysis. Since supporting evidence is limited at this time, the clinical significance of this alteration remains unclear.

NM_205836.3(FBXO38):c.2171G>A (p.Ser724Asn)

Gene: FBXO38 (F-box protein 38; plus strand). Cytogenetic location: 5q32.
Variant type: single nucleotide variant.
Coding change: c.2171G>A on transcript NM_205836.3 (MANE Select); coding-DNA position 2171, G replaced by A.
Protein change: p.Ser724Asn; replaces serine 724 with asparagine.
Molecular consequence: missense variant. On other transcripts: intron variant (1).
Genome position (GRCh38, 1-based): chr5:148,427,465, G>A. VCF-style: chr5-148427465-G-A. GRCh37 (hg19) VCF-style: chr5-147807028-G-A.
Other names: c.2171G>A, p.Ser724Asn (NM_030793.5); c.1918+1764G>A (NM_001271723.2); short protein forms S724N.
Identifiers: ClinVar variation 1787109 (VCV001787109.7), dbSNP rs376265947, ClinGen allele CA128949954.